The following is an entry in ClinVar:

ClinVar aggregate classification (germline): Uncertain significance (1 of 4 stars; one submission).

Submission:

Labcorp Genetics (formerly Invitae), Labcorp
Classification: Uncertain significance. Last evaluated: 2024-06-21. Review status: criteria provided, single submitter. Criteria: Invitae Variant Classification Sherloc (09022015). Collection method: clinical testing. Allele origin: germline.
Comment: This sequence change creates a premature translational stop signal (p.Gln433Lysfs*6) in the IGSF10 gene. It is expected to result in an absent or disrupted protein product. However, the current clinical and genetic evidence is not sufficient to establish whether loss-of-function variants in IGSF10 cause disease. This variant is present in population databases (rs762330687, gnomAD 0.08%), and has an allele count higher than expected for a pathogenic variant. This premature translational stop signal has been observed in individual(s) with normosmic congenital hypogonadotropic hypogonadism (PMID: 31200363). In summary, the available evidence is currently insufficient to determine the role of this variant in disease. Therefore, it has been classified as a Variant of Uncertain Significance.

Literature cited by the submitters: PubMed 31200363.

NM_178822.5(IGSF10):c.1297del (p.Gln433fs)

Gene: IGSF10 (immunoglobulin superfamily member 10; minus strand). Cytogenetic location: 3q25.1.
Variant type: Deletion.
Coding change: c.1297del on transcript NM_178822.5 (MANE Select); coding-DNA position 1297, one base deleted (C; older notation c.1297delC).
Protein change: p.Gln433fs; shifts the reading frame from glutamine 433.
Molecular consequence: frameshift variant.
Genome position (GRCh38, 1-based): chr3:151,448,684, G deleted on the plus strand (C on the coding strand, the reverse complement: IGSF10 is on the minus strand); the first of 2 consecutive G bases (chr3:151,448,684-151,448,685); deleting either gives the same sequence. VCF-style (leftmost placement, unchanged base first): chr3-151448683-TG-T. GRCh37 (hg19) VCF-style: chr3-151166471-TG-T.
Other names: c.1297del, p.Gln433fs (NM_001385060.1, NM_001385061.1, NM_001385062.1 and 1 more transcripts); short protein forms Q433fs.
Identifiers: ClinVar variation 2907349 (VCV002907349.3), dbSNP rs762330687, ClinGen allele CA2670570.